The following is an entry in ClinVar:

ClinVar aggregate classification (germline): Pathogenic (1 of 4 stars; one submission).

Conditions:
Congenital myotonia, autosomal dominant form (THD). Also called: THOMSEN DISEASE; Myotonia congenita autosomal dominant. Identifiers: Orphanet 614, MedGen C2936781, MONDO:0008055, OMIM 160800.
Congenital myotonia, autosomal recessive form. Also called: Becker Generalized Myotonia; myotonia congenita, autosomal recessive; BECKER DISEASE. Identifiers: Orphanet 614, MedGen C0751360, MONDO:0009715, OMIM 255700.

Allele frequency attached by ClinVar (database versions not stated): TOPMed below 0.00001.

Submission:

Labcorp Genetics (formerly Invitae), Labcorp
Classification: Pathogenic for Congenital myotonia, autosomal recessive form; Congenital myotonia, autosomal dominant form. Last evaluated: 2024-05-20. Review status: criteria provided, single submitter. Criteria: Invitae Variant Classification Sherloc (09022015). Collection method: clinical testing. Allele origin: germline.
Comment: This sequence change replaces leucine, which is neutral and non-polar, with glutamine, which is neutral and polar, at codon 287 of the CLCN1 protein (p.Leu287Gln). This variant is not present in population databases (gnomAD no frequency). This missense change has been observed in individual(s) with clinical features of autosomal recessive myotonia congenita (Invitae). In at least one individual the data is consistent with being in trans (on the opposite chromosome) from a pathogenic variant. It has also been observed to segregate with disease in related individuals. ClinVar contains an entry for this variant (Variation ID: 835784). Advanced modeling of protein sequence and biophysical properties (such as structural, functional, and spatial information, amino acid conservation, physicochemical variation, residue mobility, and thermodynamic stability) performed at Invitae indicates that this missense variant is expected to disrupt CLCN1 protein function with a positive predictive value of 95%. For these reasons, this variant has been classified as Pathogenic.

NM_000083.3(CLCN1):c.860T>A (p.Leu287Gln)

Gene: CLCN1 (chloride voltage-gated channel 1; plus strand). Cytogenetic location: 7q34.
Variant type: single nucleotide variant.
Coding change: c.860T>A on transcript NM_000083.3 (MANE Select); coding-DNA position 860, T replaced by A.
Protein change: p.Leu287Gln; replaces leucine 287 with glutamine.
Molecular consequence: missense variant. On other transcripts: non-coding transcript variant (1).
Genome position (GRCh38, 1-based): chr7:143,330,778, T>A. VCF-style: chr7-143330778-T-A. GRCh37 (hg19) VCF-style: chr7-143027871-T-A.
Other names: short protein forms L287Q.
Identifiers: ClinVar variation 835784 (VCV000835784.9), dbSNP rs1266327660, ClinGen allele CA369641498.